The following is an entry in ClinVar:

ClinVar aggregate classification (germline): Conflicting classifications of pathogenicity. Review status: criteria provided, conflicting classifications (1 of 4 stars). 2 submissions from 2 submitters: Uncertain significance (1); Likely benign (1). Last evaluated 2024-03-14.

Conditions:
Hereditary sensory and autonomic neuropathy type 6. Also called: Neuropathy, hereditary sensory and autonomic, type VI; HSAN VI. Identifiers: Orphanet 314381, MedGen C3539003, MONDO:0013839, OMIM 614653.
Epidermolysis bullosa simplex 3, localized or generalized intermediate, with BP230 deficiency (EBS3). Also called: Epidermolysis bullosa simplex, autosomal recessive 2; Epidermolysis bullosa simplex due to BP230 deficiency. Identifiers: Orphanet 412181, MedGen C3809470, MONDO:0014180, OMIM 615425.
Inborn genetic diseases. Identifiers: MedGen C0950123, MeSH D030342.

Allele frequency attached by ClinVar (database versions not stated): TOPMed 0.00010.
gnomAD v4.1: 68 of 1,613,952 alleles (0.0042%); highest among the groups gnomAD compares: Admixed American, 0.018%; no homozygotes.

Submissions (2):

Ambry Genetics
Classification: Likely benign for Inborn genetic diseases. Last evaluated: 2024-03-14. Review status: criteria provided, single submitter. Criteria: Ambry Variant Classification Scheme 2023. Collection method: clinical testing. Allele origin: germline.

Labcorp Genetics (formerly Invitae), Labcorp
Classification: Uncertain significance for Epidermolysis bullosa simplex 3, localized or generalized intermediate, with BP230 deficiency; Hereditary sensory and autonomic neuropathy type 6. Last evaluated: 2022-07-19. Review status: criteria provided, single submitter. Criteria: Invitae Variant Classification Sherloc (09022015). Collection method: clinical testing. Allele origin: germline.
Comment: The DST gene has multiple clinically relevant transcripts. This variant occurs in alternate transcript NM_015548.4, and corresponds to NM_001723.5:c.*138095G>A in the primary transcript. This sequence change replaces valine, which is neutral and non-polar, with isoleucine, which is neutral and non-polar, at codon 4577 of the DST protein (p.Val4577Ile). This variant is present in population databases (rs760700573, gnomAD 0.006%). This variant has not been reported in the literature in individuals affected with DST-related conditions. ClinVar contains an entry for this variant (Variation ID: 966775). Algorithms developed to predict the effect of missense changes on protein structure and function output the following: SIFT: "Not Available"; PolyPhen-2: "Not Available"; Align-GVGD: "Not Available". The isoleucine amino acid residue is found in multiple mammalian species, which suggests that this missense change does not adversely affect protein function. In summary, the available evidence is currently insufficient to determine the role of this variant in disease. Therefore, it has been classified as a Variant of Uncertain Significance.

NM_001374736.1(DST):c.21598G>A (p.Val7200Ile)

Gene: DST (dystonin; minus strand). Cytogenetic location: 6p12.1.
Variant type: single nucleotide variant.
Coding change: c.21598G>A on transcript NM_001374736.1 (MANE Select); coding-DNA position 21598, G replaced by A.
Protein change: p.Val7200Ile; replaces valine 7200 with isoleucine.
Molecular consequence: missense variant.
Genome position (GRCh38, 1-based): chr6:56,477,422, C>T on the plus strand (G>A on the coding strand, the complement: DST is on the minus strand). VCF-style: chr6-56477422-C-T. GRCh37 (hg19) VCF-style: chr6-56342220-C-T.
Other names: c.15241G>A, p.Val5081Ile (NM_001144769.5); c.14827G>A, p.Val4943Ile (NM_001144770.2); c.21598G>A, p.Val7200Ile (NM_001374722.1); c.20638G>A, p.Val6880Ile (NM_001374729.1); c.14380G>A, p.Val4794Ile (NM_001374730.1); c.21625G>A, p.Val7209Ile (NM_001374734.1); c.13729G>A, p.Val4577Ile (NM_015548.5); c.14707G>A, p.Val4903Ile (NM_183380.4); short protein forms V4794I, V4903I, V7209I, V4577I, V4943I, V5081I, V6880I, V7200I.
Identifiers: ClinVar variation 966775 (VCV000966775.7), dbSNP rs760700573, ClinGen allele CA139175602.